The following is an entry in ClinVar:

ClinVar aggregate classification (germline): Uncertain significance. Review status: criteria provided, multiple submitters, no conflicts (2 of 4 stars). 4 submissions from 4 submitters: Uncertain significance (2). 2 of the submissions do not count toward it. Last evaluated 2026-07-14.

Conditions:
Inborn genetic diseases. Identifiers: MedGen C0950123, MeSH D030342.
Joubert syndrome. Also called: Familial aplasia of the vermis; JOUBERT-BOLTSHAUSER SYNDROME. Identifiers: Orphanet 475, MedGen C5979921, MONDO:0018772.
Meckel-Gruber syndrome. Also called: Dysencephalia splachnocystica; DYSENCEPHALIA SPLANCHNOCYSTICA; GRUBER SYNDROME. Identifiers: Orphanet 564, MedGen C0265215, MONDO:0018921.
Nephronophthisis. Also called: Juvenile Nephronophthisis. Identifiers: Orphanet 655, MedGen C0687120, MONDO:0019005, HP:0000090.
Retinal dystrophy. Also called: Inherited retinal dystrophy. Identifiers: Orphanet 71862, MedGen C0854723, MeSH D058499, MONDO:0019118, HP:0000556.
Leber congenital amaurosis (LCA). Also called: Leber's amaurosis. Identifiers: Orphanet 65, MedGen C0339527, MeSH D057130, MONDO:0018998.

Allele frequency attached by ClinVar (database versions not stated): gnomAD 0.00001; ExAC 0.00002; gnomAD exomes 0.00001.
gnomAD v4.1: 17 of 1,611,610 alleles (0.0011%); highest among the groups gnomAD compares: South Asian, 0.0033%; no homozygotes.

Submissions (4):

Ambry Genetics
Classification: Uncertain significance for Inborn genetic diseases. Last evaluated: 2026-07-14. Review status: criteria provided, single submitter. Criteria: Ambry Variant Classification Scheme 2023. Collection method: clinical testing. Allele origin: germline.

Labcorp Genetics (formerly Invitae), Labcorp
Classification: Uncertain significance for Joubert syndrome; Meckel-Gruber syndrome; Nephronophthisis. Last evaluated: 2021-08-26. Review status: criteria provided, single submitter. Criteria: Invitae Variant Classification Sherloc (09022015). Collection method: clinical testing. Allele origin: germline.
Comment: This sequence change replaces arginine with cysteine at codon 1561 of the CEP290 protein (p.Arg1561Cys). The arginine residue is weakly conserved and there is a large physicochemical difference between arginine and cysteine. This variant is present in population databases (rs763605289, ExAC 0.01%). This variant has not been reported in the literature in individuals affected with CEP290-related conditions. Algorithms developed to predict the effect of missense changes on protein structure and function are either unavailable or do not agree on the potential impact of this missense change (SIFT: "Deleterious"; PolyPhen-2: "Possibly Damaging"; Align-GVGD: "Class C0"). In summary, the available evidence is currently insufficient to determine the role of this variant in disease. Therefore, it has been classified as a Variant of Uncertain Significance.

Institute of Human Genetics, Univ. Regensburg, Univ. Regensburg
Classification: Uncertain significance for Retinal dystrophy. Last evaluated: 2023-01-01. Review status: no assertion criteria provided. Criteria: ACMG Guidelines, 2015. Collection method: clinical testing. Allele origin: germline. Affected: yes. Not counted in ClinVar's aggregate classification.

Natera, Inc.
Classification: Uncertain significance for Leber congenital amaurosis. Last evaluated: 2020-07-29. Review status: no assertion criteria provided. Collection method: clinical testing. Allele origin: germline. Not counted in ClinVar's aggregate classification.

NM_025114.4(CEP290):c.4681C>T (p.Arg1561Cys)

Gene: CEP290 (centrosomal protein 290; minus strand). Cytogenetic location: 12q21.32.
Variant type: single nucleotide variant.
Coding change: c.4681C>T on transcript NM_025114.4 (MANE Select); coding-DNA position 4681, C replaced by T.
Protein change: p.Arg1561Cys; replaces arginine 1561 with cysteine.
Molecular consequence: missense variant.
Genome position (GRCh38, 1-based): chr12:88,084,609, G>A on the plus strand (C>T on the coding strand, the complement: CEP290 is on the minus strand). VCF-style: chr12-88084609-G-A. GRCh37 (hg19) VCF-style: chr12-88478386-G-A.
Other names: short protein forms R1561C.
Identifiers: ClinVar variation 971896 (VCV000971896.9), dbSNP rs763605289, ClinGen allele CA6711893.
Genomic context (GRCh38, chr12:88,084,609, plus strand): 5'-AATGGATAACAGCATAACTCATAATATAATAAAATACCTCTCTGGCTTTTTCTAGAAGAC[G>A]TTGATACTTCTTTAATACTTCTTCTTTTTGATTTAACCTTGCTTGCATGTTTGCAATGGT-3'
Protein context (NP_079390.3, residues 1551-1571): QKEEVLKKYQ[Arg1561Cys]LLEKAREEQR